The following is an entry in ClinVar:

ClinVar aggregate classification (germline): Uncertain significance (1 of 4 stars; one submission).

Conditions:
Epidermolysis bullosa simplex with nail dystrophy (EBS5D). Identifiers: MedGen C4225309, MONDO:0014661, OMIM 616487.
Epidermolysis bullosa simplex 5B, with muscular dystrophy (EBS5B). Also called: EPIDERMOLYSIS BULLOSA SIMPLEX AND LIMB-GIRDLE MUSCULAR DYSTROPHY; Epidermolysis bullosa simplex with muscular dystrophy. Identifiers: Orphanet 257, MedGen C2931072, MONDO:0009181, OMIM 226670.
Epidermolysis bullosa simplex, Ogna type (EBS5A). Also called: Pidermolysis bullosa simplex 5A, Ogna type; EPIDERMOLYSIS BULLOSA SIMPLEX 5A, OGNA TYPE. Identifiers: Orphanet 79401, MedGen C0432317, MONDO:0007555, OMIM 131950.
Autosomal recessive limb-girdle muscular dystrophy type 2Q (LGMDR17). Also called: MUSCULAR DYSTROPHY, LIMB-GIRDLE, AUTOSOMAL RECESSIVE 17. Identifiers: Orphanet 254361, MedGen C3150989, MONDO:0013390, OMIM 613723.
Epidermolysis bullosa simplex 5C, with pyloric atresia (EBS5C). Also called: Epidermolysis bullosa simplex with pyloric atresia; PLEC-Related Epidermolysis Bullosa with Pyloric Atresia; PLEC1-Related Epidermolysis Bullosa with Pyloric Atresia. Identifiers: Orphanet 158684, MedGen C2677349, MONDO:0012807, OMIM 612138.

Allele frequency attached by ClinVar (database versions not stated): gnomAD 0.00002; gnomAD exomes 0.00002; TOPMed 0.00003; ExAC 0.00004.
gnomAD v4.1: 32 of 1,598,896 alleles (0.002%); highest among the groups gnomAD compares: South Asian, 0.0033%; no homozygotes.

Submission:

Labcorp Genetics (formerly Invitae), Labcorp
Classification: Uncertain significance for Autosomal recessive limb-girdle muscular dystrophy type 2Q; Epidermolysis bullosa simplex, Ogna type; Epidermolysis bullosa simplex with nail dystrophy; Epidermolysis bullosa simplex 5C, with pyloric atresia; Epidermolysis bullosa simplex 5B, with muscular dystrophy. Last evaluated: 2022-05-16. Review status: criteria provided, single submitter. Criteria: Invitae Variant Classification Sherloc (09022015). Collection method: clinical testing. Allele origin: germline.
Comment: This sequence change replaces arginine, which is basic and polar, with glutamine, which is neutral and polar, at codon 1947 of the PLEC protein (p.Arg1947Gln). This variant is present in population databases (rs782776608, gnomAD 0.006%). This variant has not been reported in the literature in individuals affected with PLEC-related conditions. Algorithms developed to predict the effect of missense changes on protein structure and function are either unavailable or do not agree on the potential impact of this missense change (SIFT: "Deleterious"; PolyPhen-2: "Not Available"; Align-GVGD: "Class C0"). In summary, the available evidence is currently insufficient to determine the role of this variant in disease. Therefore, it has been classified as a Variant of Uncertain Significance.

NM_201384.3(PLEC):c.5759G>A (p.Arg1920Gln)

Gene: PLEC (plectin; minus strand). Cytogenetic location: 8q24.3.
Variant type: single nucleotide variant.
Coding change: c.5759G>A on transcript NM_201384.3 (MANE Select); coding-DNA position 5759, G replaced by A.
Protein change: p.Arg1920Gln; replaces arginine 1920 with glutamine.
Molecular consequence: missense variant.
Genome position (GRCh38, 1-based): chr8:143,924,170, C>T on the plus strand (G>A on the coding strand, the complement: PLEC is on the minus strand). VCF-style: chr8-143924170-C-T. GRCh37 (hg19) VCF-style: chr8-144998338-C-T.
Other names: c.5840G>A, p.Arg1947Gln (NM_000445.5); c.5717G>A, p.Arg1906Gln (NM_201378.4); c.5693G>A, p.Arg1898Gln (NM_201379.3); c.6170G>A, p.Arg2057Gln (NM_201380.4); c.5663G>A, p.Arg1888Gln (NM_201381.3); c.5759G>A, p.Arg1920Gln (NM_201382.4); c.5771G>A, p.Arg1924Gln (NM_201383.3); short protein forms R1898Q, R1920Q, R2057Q, R1906Q, R1924Q, R1947Q, R1888Q.
Identifiers: ClinVar variation 2154971 (VCV002154971.4), dbSNP rs782776608, ClinGen allele CA4926250.